The following is an entry in ClinVar:

NM_015338.6(ASXL1):c.2909G>A (p.Ser970Asn)

Gene: ASXL1 (ASXL transcriptional regulator 1; plus strand). Cytogenetic location: 20q11.21.
Variant type: single nucleotide variant.
Coding change: c.2909G>A on transcript NM_015338.6 (MANE Select); coding-DNA position 2909, G replaced by A.
Protein change: p.Ser970Asn; replaces serine 970 with asparagine.
Molecular consequence: missense variant.
Genome position (GRCh38, 1-based): chr20:32,435,621, G>A. VCF-style: chr20-32435621-G-A. GRCh37 (hg19) VCF-style: chr20-31023424-G-A.
Other names: c.2726G>A, p.Ser909Asn (NM_001363734.1); short protein forms S909N, S970N.
Identifiers: ClinVar variation 3957577 (VCV003957577.1).

ClinVar aggregate classification (germline): Uncertain significance (1 of 4 stars; one submission).

Conditions:
Inborn genetic diseases. Identifiers: MedGen C0950123, MeSH D030342.

gnomAD v4.1: 1 of 1,613,992 alleles (0.000062%); no homozygotes.

Submission:

Ambry Genetics
Classification: Uncertain significance for Inborn genetic diseases. Last evaluated: 2025-06-03. Review status: criteria provided, single submitter. Criteria: Ambry Variant Classification Scheme 2023. Collection method: clinical testing. Allele origin: germline.
Comment: The p.S970N variant (also known as c.2909G>A), located in coding exon 13 of the ASXL1 gene, results from a G to A substitution at nucleotide position 2909. The serine at codon 970 is replaced by asparagine, an amino acid with highly similar properties. This amino acid position is conserved. In addition, this alteration is predicted to be tolerated by in silico analysis. Based on the available evidence, the clinical significance of this variant remains unclear.